The following is an entry in ClinVar:

ClinVar aggregate classification (germline): Conflicting classifications of pathogenicity. Review status: criteria provided, conflicting classifications (1 of 4 stars). 2 submissions from 2 submitters: Uncertain significance (1); Likely benign (1). Last evaluated 2024-11-07.

Conditions:
Hereditary cancer-predisposing syndrome. Also called: Hereditary neoplastic syndrome; Neoplastic Syndromes, Hereditary; Hereditary Cancer Syndrome; Tumor predisposition. Identifiers: Orphanet 140162, MedGen C0027672, MeSH D009386, MONDO:0015356.
Cardiovascular phenotype. Identifiers: MedGen CN230736.

Submissions (2):

Ambry Genetics
Classification: Likely benign for Cardiovascular phenotype; Hereditary cancer-predisposing syndrome. Last evaluated: 2024-11-07. Review status: criteria provided, single submitter. Criteria: Ambry Variant Classification Scheme 2023. Collection method: clinical testing. Allele origin: germline.

Labcorp Genetics (formerly Invitae), Labcorp
Classification: Uncertain significance. Last evaluated: 2024-01-13. Review status: criteria provided, single submitter. Criteria: Invitae Variant Classification Sherloc (09022015). Collection method: clinical testing. Allele origin: germline.
Comment: This sequence change replaces serine, which is neutral and polar, with leucine, which is neutral and non-polar, at codon 373 of the LZTR1 protein (p.Ser373Leu). This variant is not present in population databases (gnomAD no frequency). This variant has not been reported in the literature in individuals affected with LZTR1-related conditions. Advanced modeling of protein sequence and biophysical properties (such as structural, functional, and spatial information, amino acid conservation, physicochemical variation, residue mobility, and thermodynamic stability) performed at Invitae indicates that this missense variant is not expected to disrupt LZTR1 protein function with a negative predictive value of 80%. In summary, the available evidence is currently insufficient to determine the role of this variant in disease. Therefore, it has been classified as a Variant of Uncertain Significance.

NM_006767.4(LZTR1):c.1118C>T (p.Ser373Leu)

Gene: LZTR1 (leucine zipper like post translational regulator 1; plus strand). Cytogenetic location: 22q11.21.
Variant type: single nucleotide variant.
Coding change: c.1118C>T on transcript NM_006767.4 (MANE Select); coding-DNA position 1118, C replaced by T.
Protein change: p.Ser373Leu; replaces serine 373 with leucine.
Molecular consequence: missense variant.
Genome position (GRCh38, 1-based): chr22:20,992,338, C>T. VCF-style: chr22-20992338-C-T. GRCh37 (hg19) VCF-style: chr22-21346627-C-T.
Other names: c.1118C>T (NM_006767.3); short protein forms S373L.
Identifiers: ClinVar variation 2763352 (VCV002763352.4), dbSNP rs2518618139, ClinGen allele CA410782095.